The following is an entry in ClinVar:

ClinVar aggregate classification (germline): Likely pathogenic (1 of 4 stars; one submission).

Submission:

GeneDx
Classification: Likely pathogenic. Last evaluated: 2020-09-09. Review status: criteria provided, single submitter. Criteria: GeneDx Variant Classification Process June 2021. Collection method: clinical testing. Allele origin: germline. Affected: yes.
Comment: Frameshift variant predicted to result in protein truncation or nonsense mediated decay in a gene for which loss-of-function is a known mechanism of disease; Not observed in large population cohorts (Lek et al., 2016); Has not been previously published as pathogenic or benign to our knowledge

NM_001161352.2(KCNMA1):c.369del (p.Lys124fs)

Gene: KCNMA1 (potassium calcium-activated channel subfamily M alpha 1; minus strand). Cytogenetic location: 10q22.3.
Variant type: Deletion.
Coding change: c.369del on transcript NM_001161352.2 (MANE Select); coding-DNA position 369, one base deleted (C; older notation c.369delC).
Protein change: p.Lys124fs; shifts the reading frame from lysine 124.
Molecular consequence: frameshift variant.
Genome position (GRCh38, 1-based): chr10:77,637,274, G deleted on the plus strand (C on the coding strand, the reverse complement: KCNMA1 is on the minus strand). VCF-style (leftmost placement, unchanged base first): chr10-77637273-TG-T. GRCh37 (hg19) VCF-style: chr10-79397031-TG-T.
Other names: c.369delC (NM_002247.3); c.369del, p.Lys124fs (NM_001014797.3, NM_001161353.2, NM_001271518.2 and 12 more transcripts); short protein forms K124fs.
Identifiers: ClinVar variation 817829 (VCV000817829.2), dbSNP rs1603639319, ClinGen allele CA915947347.